The following is an entry in ClinVar:

NM_005921.2(MAP3K1):c.1735G>A (p.Val579Met)

Gene: MAP3K1 (mitogen-activated protein kinase kinase kinase 1; plus strand). Cytogenetic location: 5q11.2.
Variant type: single nucleotide variant.
Coding change: c.1735G>A on transcript NM_005921.2 (MANE Select); coding-DNA position 1735, G replaced by A.
Protein change: p.Val579Met; replaces valine 579 with methionine.
Molecular consequence: missense variant.
Genome position (GRCh38, 1-based): chr5:56,875,080, G>A. VCF-style: chr5-56875080-G-A. GRCh37 (hg19) VCF-style: chr5-56170907-G-A.
Other names: short protein forms V579M.
Identifiers: ClinVar variation 3355408 (VCV003355408.1).

ClinVar aggregate classification (germline): Uncertain significance (0 of 4 stars; one submission).

Conditions:
MAP3K1-related disorder. Also called: MAP3K1-related condition.

gnomAD v4.1: 4 of 1,614,112 alleles (0.00025%); highest among the groups gnomAD compares: Admixed American, 0.0067%; no homozygotes.

Submission:

PreventionGenetics, part of Exact Sciences
Classification: Uncertain significance for MAP3K1-related condition. Last evaluated: 2024-09-17. Review status: no assertion criteria provided. Collection method: clinical testing. Allele origin: germline.
Comment: The MAP3K1 c.1735G>A variant is predicted to result in the amino acid substitution p.Val579Met. To our knowledge, this variant has not been reported in the literature. This variant is reported in 0.0058% of alleles in individuals of Latino descent in gnomAD. At this time, the clinical significance of this variant is uncertain due to the absence of conclusive functional and genetic evidence.